The following is an entry in ClinVar:

ClinVar aggregate classification (germline): Pathogenic (1 of 4 stars; one submission).

Submission:

GeneDx
Classification: Pathogenic. Last evaluated: 2026-03-10. Review status: criteria provided, single submitter. Criteria: GeneDx Variant Classification Process June 2021. Collection method: clinical testing. Allele origin: germline.
Comment: Nonsense variant predicted to result in protein truncation, as the last 192 amino acid(s) are lost, and other loss-of-function variants have been reported downstream in HGMD; Not observed at significant frequency in large population cohorts (gnomAD); This variant is associated with the following publications: (PMID: 37385405)

NM_003620.4(PPM1D):c.1242T>A (p.Cys414Ter)

Gene: PPM1D (protein phosphatase, Mg2+/Mn2+ dependent 1D; plus strand). Cytogenetic location: 17q23.2.
Variant type: single nucleotide variant.
Coding change: c.1242T>A on transcript NM_003620.4 (MANE Select); coding-DNA position 1242, T replaced by A.
Protein change: p.Cys414Ter; replaces cysteine 414 with a stop codon.
Molecular consequence: nonsense.
Genome position (GRCh38, 1-based): chr17:60,656,823, T>A. VCF-style: chr17-60656823-T-A. GRCh37 (hg19) VCF-style: chr17-58734184-T-A.
Other names: short protein forms C414*.
Identifiers: ClinVar variation 4976688 (VCV004976688.1).
Genomic context (GRCh38, chr17:60,656,823, plus strand): 5'-CCTGACTGACAGCCCTTCCTATAATAGTCAAGAAACCTGTGTGATGACTCCTTCCCCATG[T>A]TCTACACCACCAGTCAAGGTATATAGTTCCATAGTTTTTAAGTTATGTTTTAATAGACAC-3'